The following is an entry in ClinVar:

NM_001972.4(ELANE):c.598-2A>C

Gene: ELANE (elastase, neutrophil expressed; plus strand). Cytogenetic location: 19p13.3.
Variant type: single nucleotide variant.
Coding change: c.598-2A>C on transcript NM_001972.4 (MANE Select); the canonical splice acceptor site of the intron before coding-DNA position 598, A replaced by C.
Molecular consequence: splice acceptor variant.
Genome position (GRCh38, 1-based): chr19:855,956, A>C. VCF-style: chr19-855956-A-C. GRCh37 (hg19) VCF-style: chr19-855956-A-C.
Identifiers: ClinVar variation 1007342 (VCV001007342.11), dbSNP rs1364734771, ClinGen allele CA16040333.
Genomic context (GRCh38, chr19:855,956, plus strand): 5'-AGGCGGCGGGCAGGTGGGCAGGGCCTCGCAGTCCAGCTTCCCCACCTTGTCTGCCTCCAC[A>C]GGGGGACTCCGGCAGCCCCTTGGTCTGCAACGGGCTAATCCACGGAATTGCCTCCTTCGT-3'

ClinVar aggregate classification (germline): Uncertain significance (1 of 4 stars; one submission).

Conditions:
Neutropenia, severe congenital, 1, autosomal dominant. Identifiers: MedGen C1859966, MONDO:0042490, OMIM 202700.
Cyclical neutropenia. Also called: Cyclic hematopoiesis; Cyclic Neutropenia. Identifiers: Orphanet 2686, MedGen C0221023, MONDO:0008090, OMIM 162800, HP:0040289. Disease mechanism: loss of function.

Allele frequency attached by ClinVar (database versions not stated): TOPMed below 0.00001; gnomAD 0.00001.
gnomAD v4.1: 2 of 1,613,032 alleles (0.00012%); highest among the groups gnomAD compares: Non-Finnish European, 0.00017%; no homozygotes.

Submission:

Labcorp Genetics (formerly Invitae), Labcorp
Classification: Uncertain significance for Neutropenia, severe congenital, 1, autosomal dominant; Cyclical neutropenia. Last evaluated: 2025-01-29. Review status: criteria provided, single submitter. Criteria: Invitae Variant Classification Sherloc (09022015). Collection method: clinical testing. Allele origin: germline.
Comment: This sequence change falls in intron 4 of the ELANE gene. It does not directly change the encoded amino acid sequence of the ELANE protein. It affects a nucleotide within the consensus splice site. This variant is present in population databases (no rsID available, gnomAD 0.007%). This variant has been observed in individual(s) with congenital neutropenia (PMID: 23463630, 31321910). ClinVar contains an entry for this variant (Variation ID: 1007342). Variants that disrupt the consensus splice site are a relatively common cause of aberrant splicing (PMID: 17576681, 9536098). Algorithms developed to predict the effect of sequence changes on RNA splicing suggest that this variant may disrupt the consensus splice site. In summary, the available evidence is currently insufficient to determine the role of this variant in disease. Therefore, it has been classified as a Variant of Uncertain Significance.

Literature cited by the submitters: PubMed 23463630; PubMed 31321910; PubMed 17576681; PubMed 9536098.